The following is an entry in ClinVar:

ClinVar aggregate classification (germline): Conflicting classifications of pathogenicity. Review status: criteria provided, conflicting classifications (1 of 4 stars). 8 submissions from 7 submitters: Uncertain significance (5); Benign (1); Likely benign (2). Last evaluated 2025-02-28.

Conditions:
EYA1-related disorder. Also called: EYA1-related condition.
Melnick-Fraser syndrome (BOR). Also called: Branchiootorenal syndrome; Branchio-oto-renal syndrome; Branchiootorenal Syndrome (BORS). Identifiers: Orphanet 107, MedGen C0265234, MONDO:0007029.
Branchiootorenal syndrome 1. Also called: Branchio-Oto-Renal Syndrome 1. Identifiers: Orphanet 107, MedGen C4551702, MONDO:0007236, OMIM 113650.
Otofaciocervical syndrome 1 (OTFCS). Identifiers: MedGen C3714941, MONDO:0024532, OMIM 166780.
Branchiootic syndrome 1 (BOS1). Also called: BO SYNDROME 1; BRANCHIOOTIC DYSPLASIA. Identifiers: MedGen C1865143, MONDO:0011258, OMIM 602588.

Allele frequency attached by ClinVar (database versions not stated): gnomAD 0.00001; TOPMed 0.00003; gnomAD exomes 0.00006 and 0.00008; ExAC 0.00007.
gnomAD v4.1: 113 of 1,614,094 alleles (0.007%); highest among the groups gnomAD compares: East Asian, 0.18%; no homozygotes.

Submissions (8):

PreventionGenetics, part of Exact Sciences
Classification: Uncertain significance for EYA1-related condition. Last evaluated: 2025-02-28. Review status: criteria provided, single submitter. Criteria: ACMG Guidelines, 2015. Collection method: clinical testing. Allele origin: germline.
Comment: The EYA1 c.403G>A variant is predicted to result in the amino acid substitution p.Gly135Ser. This variant was reported in an individual with hearing loss (Table S2, Miyagawa et al. 2013. PubMed ID: 23967202). This variant is reported in 0.071% of alleles in individuals of East Asian descent in gnomAD. At this time, the clinical significance of this variant is uncertain due to the absence of conclusive functional and genetic evidence.

Fulgent Genetics
Classification: Uncertain significance for Branchiootorenal syndrome 1; Otofaciocervical syndrome 1; Branchiootic syndrome 1. Last evaluated: 2024-01-29. Review status: criteria provided, single submitter. Criteria: ACMG Guidelines, 2015. Collection method: clinical testing. Allele origin: germline.

Labcorp Genetics (formerly Invitae), Labcorp
Classification: Likely benign for Melnick-Fraser syndrome. Last evaluated: 2022-12-20. Review status: criteria provided, single submitter. Criteria: Invitae Variant Classification Sherloc (09022015). Collection method: clinical testing. Allele origin: germline.

GeneDx
Classification: Uncertain significance. Last evaluated: 2022-07-01. Review status: criteria provided, single submitter. Criteria: GeneDx Variant Classification Process June 2021. Collection method: clinical testing. Allele origin: germline. Affected: yes.
Comment: Reported in a patient with branchiootorenal spectrum disorder in published literature (Wu et al., 2019); clinical details for this individual are not available; Reported in multiple patients with hearing loss in published literature (Minyagawa et al., 2013); clinical information for these patients was not available; In silico analysis supports that this missense variant does not alter protein structure/function; This variant is associated with the following publications: (PMID: 34666446, 31738409, 23967202, 31581539)

Laboratory for Molecular Medicine, Mass General Brigham Personalized Medicine
Classification: Uncertain significance. Last evaluated: 2018-03-07. Review status: criteria provided, single submitter. Criteria: LMM Criteria. Collection method: clinical testing. Allele origin: germline. Inheritance: Autosomal dominant inheritance. Observed: 1 variant allele.
Comment: The p.Gly135Ser variant in EYA1 has been reported in at least Japanese individua l with hearing loss (Miyagawa 2013) and has also been reported in ClinVar (Varia tion ID#225351). This variant has been identified in 0.06% (11/17210) of East As ian chromosomes by the Genome Aggregation Database (gnomAD; dbSNP rs747476629); however the frequency is not high enough to ru le out a pathogenic role. Computational prediction tools and conservation analys is suggest that the p.Gly135Ser variant may impact the protein, though this info rmation is not predictive enough to determine pathogenicity. In summary, the cli nical significance of the p.Gly135Ser variant is uncertain. ACMG/AMP Criteria ap plied: PP3

Illumina Laboratory Services, Illumina
Classification: Likely benign for Branchiootic syndrome. Last evaluated: 2017-04-28. Review status: criteria provided, single submitter. Criteria: ICSL Variant Classification Criteria 13 December 2019. Collection method: clinical testing. Allele origin: germline.
Comment: This variant was observed as part of a predisposition screen in an ostensibly healthy population. A literature search was performed for the gene, cDNA change, and amino acid change (where applicable). Publications were found based on this search. The evidence from the literature, in combination with allele frequency data from public databases where available, was sufficient to determine this variant is unlikely to cause disease. Therefore, this variant is classified as likely benign.

Illumina Laboratory Services, Illumina
Classification: Benign for Otofaciocervical syndrome 1. Last evaluated: 2017-04-28. Review status: criteria provided, single submitter. Criteria: ICSL Variant Classification Criteria 13 December 2019. Collection method: clinical testing. Allele origin: germline.
Comment: This variant was observed as part of a predisposition screen in an ostensibly healthy population. A literature search was performed for the gene, cDNA change, and amino acid change (where applicable). No publications were found based on this search. Allele frequency data from public databases was too high to be consistent with this variant causing disease. Therefore, this variant is classified as benign.

Soonchunhyang University Bucheon Hospital, Soonchunhyang University Medical Center
Classification: Uncertain significance for Branchiootorenal syndrome 1. Last evaluated: 2016-03-18. Review status: criteria provided, single submitter. Criteria: ACMG Guidelines, 2015. Collection method: reference population. Allele origin: germline. Observed: 1 variant allele.

Literature cited by the submitters: PubMed 23967202 (cited by 3 submitters).

NM_000503.6(EYA1):c.403G>A (p.Gly135Ser)

Gene: EYA1 (EYA transcriptional coactivator and phosphatase 1; minus strand). Cytogenetic location: 8q13.3.
Variant type: single nucleotide variant.
Coding change: c.403G>A on transcript NM_000503.6 (MANE Select); coding-DNA position 403, G replaced by A.
Protein change: p.Gly135Ser; replaces glycine 135 with serine.
Molecular consequence: missense variant.
Genome position (GRCh38, 1-based): chr8:71,321,749, C>T on the plus strand (G>A on the coding strand, the complement: EYA1 is on the minus strand). VCF-style: chr8-71321749-C-T. GRCh37 (hg19) VCF-style: chr8-72233984-C-T.
Other names: c.400G>A, p.Gly134Ser (NM_001288574.2); c.52G>A, p.Gly18Ser (NM_001288575.2); c.490G>A, p.Gly164Ser (NM_001370333.1, NM_172059.5); c.403G>A, p.Gly135Ser (NM_001370334.1, NM_001370335.1, NM_172058.4); c.487G>A, p.Gly163Ser (NM_001370336.1); c.403G>A (NM_172058.3); short protein forms G135S, G164S, G18S, G134S, G163S.
Identifiers: ClinVar variation 225351 (VCV000225351.17), dbSNP rs747476629, ClinGen allele CA4779794.
Genomic context (GRCh38, chr8:71,321,749, plus strand): 5'-CATGCCCATGCGATAACGCCACCACTACAGTTGCAGGTTACTCACCATATGAGGAAATGC[C>T]GTACGGCTGTCCTGGCTGTGGGTACGTGGCATAGGCTGTAGCTTGTTGCATTCCTGTGGT-3'
Protein context (NP_000494.2, residues 125-145): ATYPQPGQPY[Gly135Ser]ISSYGALWAG